The following is an entry in ClinVar:

ClinVar aggregate classification (germline): Pathogenic. Review status: reviewed by expert panel (3 of 4 stars). 3 submissions from 3 submitters: Pathogenic (1). 2 of the submissions do not count toward it. Last evaluated 2026-10-30.

Conditions:
Retinal dystrophy. Also called: Inherited retinal dystrophy. Identifiers: Orphanet 71862, MedGen C0854723, MeSH D058499, MONDO:0019118, HP:0000556.
X-linked cone-rod dystrophy 1 (CORDX1). Identifiers: Orphanet 1872, MedGen C1844776, MONDO:0010566, OMIM 304020.
RPGR-related retinopathy. Also called: RPGR retinopathy. Identifiers: MedGen CN305589, MONDO:0100437.

Submissions (3):

ClinGen X-linked Inherited Retinal Disease Variant Curation Expert Panel, ClinGen
Classification: Pathogenic for RPGR-related retinopathy. Last evaluated: 2026-10-30. Review status: reviewed by expert panel. Criteria: ClinGen X LinkedIRD ACMG Specifications RPGR V1.0.0. Collection method: curation. Allele origin: germline. Inheritance: X-linked inheritance.
Comment: NM_001034853.2(RPGR):c.3364del (p.Met1122CysfsTer9) is a frameshift variant due to the deletion of 1 nucleotide that introduces a premature stop codon after 9 amino acids, which is predicted to disrupt a critical C-terminal region required for proper glutamylation of RPGR (PVS1, PMID: 36445968). This variant is absent from hemizygous individuals in gnomAD v4.1.2 (PM2_Supporting). At least one proband harboring this variant exhibits a phenotype including early onset (1 pt), high myopia (1 pt), affected female family member with delayed or mild onset (1 pt), reduced visual acuity (0.5 pts), family history consistent with X-linked inheritance (2 pts), and sequencing by whole exome sequencing that did not identify an alternative basis for disease (2 pts), which together are specific for RPGR-related retinopathy (7.5 points), however, PP4 was not met because the required electroretinogram responses were not reported (PMID: 34745198). The variant has been reported to segregate with retinal dystrophy through at least 3 affected meioses from 1 family. (PP1_Moderate; PMID: [34745198]). In summary, this variant is classified as Pathogenic for RPGR-related retinopathy based on the ClinGen X-linked Inherited Retinal Disease Expert Panel Specifications to the ACMG/AMP Variant Interpretation Guidelines for RPGR Version 1.0.0: PVS1, PM2_Supporting, and PP1_Moderate.

Institute of Medical Genetics and Applied Genomics, University Hospital Tübingen
Classification: Pathogenic for X-linked cone-rod dystrophy 1. Last evaluated: 2024-08-29. Review status: criteria provided, single submitter. Criteria: ACMG Guidelines, 2015. Collection method: clinical testing. Allele origin: germline. Inheritance: Autosomal recessive inheritance. Affected: yes. Not counted in ClinVar's aggregate classification.

Institute of Human Genetics, Univ. Regensburg, Univ. Regensburg
Classification: Pathogenic for Retinal dystrophy. Last evaluated: 2016-01-01. Review status: criteria provided, single submitter. Criteria: ACMG Guidelines, 2015. Collection method: clinical testing. Allele origin: germline. Affected: yes. Not counted in ClinVar's aggregate classification.

Literature cited by the submitters: PubMed 26747767 (cited by Institute of Human Genetics, Univ. Regensburg, Univ. Regensburg).

NM_001034853.2(RPGR):c.3364del (p.Met1122fs)

Gene: RPGR (retinitis pigmentosa GTPase regulator; minus strand). Cytogenetic location: Xp11.4.
Variant type: Deletion.
Coding change: c.3364del on transcript NM_001034853.2 (MANE Select); coding-DNA position 3364, one base deleted (A; older notation c.3364delA).
Protein change: p.Met1122fs; shifts the reading frame from methionine 1122.
Molecular consequence: frameshift variant. On other transcripts: intron variant (8).
Genome position (GRCh38, 1-based): chrX:38,285,635, T deleted on the plus strand (A on the coding strand, the reverse complement: RPGR is on the minus strand); the first of 4 consecutive T bases (chrX:38,285,635-38,285,638); deleting any one gives the same sequence. VCF-style (leftmost placement, unchanged base first): chrX-38285634-AT-A. GRCh37 (hg19) VCF-style: chrX-38144887-AT-A.
Other names: c.1569+5324del (NM_001367249.1, NM_001367250.1); c.1902+1459del (NM_001367245.1); c.1386+5324del (NM_001367251.1); c.1719+1459del (NM_001367246.1); c.1572+5324del (NM_001367247.1); c.1905+1459del (NM_000328.3); c.1602+5324del (NM_001367248.1); short protein forms M1122fs.
Identifiers: ClinVar variation 3249845 (VCV003249845.3).